The following is an entry in ClinVar:

ClinVar aggregate classification (germline): Uncertain significance (1 of 4 stars; one submission).

Submission:

Labcorp Genetics (formerly Invitae), Labcorp
Classification: Uncertain significance. Last evaluated: 2022-08-06. Review status: criteria provided, single submitter. Criteria: Invitae Variant Classification Sherloc (09022015). Collection method: clinical testing. Allele origin: germline.
Comment: A copy number gain of the genomic region encompassing the full coding sequence of the DENND5A gene has been identified. The boundaries of this event are unknown as they extend beyond the assayed region for this gene and therefore may encompass additional genes. As the precise location of this event is unknown, it may be in tandem or it may be located elsewhere in the genome. This variant has not been reported in the literature in individuals affected with DENND5A-related conditions. In summary, the available evidence is currently insufficient to determine the role of this variant in disease. Therefore, it has been classified as a Variant of Uncertain Significance.

NC_000011.9:g.(?_9161218)_(9286616_?)dup

Gene: DENND5A (DENN domain containing 5A; minus strand). Cytogenetic location: 11p15.4.
Variant type: Duplication.
Identifiers: ClinVar variation 2426104 (VCV002426104.3).